The following is an entry in ClinVar:

NC_000006.11:g.(?_33131455)_(33139900_?)dup

Gene: COL11A2 (collagen type XI alpha 2 chain; minus strand). Cytogenetic location: 6p21.32.
Variant type: Duplication.
Identifiers: ClinVar variation 1412667 (VCV001412667.6).

ClinVar aggregate classification (germline): Uncertain significance (1 of 4 stars; one submission).

Submission:

Labcorp Genetics (formerly Invitae), Labcorp
Classification: Uncertain significance. Last evaluated: 2022-11-01. Review status: criteria provided, single submitter. Criteria: Invitae Variant Classification Sherloc (09022015). Collection method: clinical testing. Allele origin: germline.
Comment: This variant results in a copy number gain of the genomic region encompassing exon(s) 41-66 of the COL11A2 gene. This region includes the termination codon of the gene. This copy number gain extends beyond the assayed region for this gene and therefore may encompass additional genes. As the precise location of this event is unknown, it may be in tandem or it may be located elsewhere in the genome. This variant has not been reported in the literature in individuals affected with COL11A2-related conditions. In summary, the available evidence is currently insufficient to determine the role of this variant in disease. Therefore, it has been classified as a Variant of Uncertain Significance.